The following is an entry in ClinVar:

NM_004369.4(COL6A3):c.8384T>C (p.Phe2795Ser)

Gene: COL6A3 (collagen type VI alpha 3 chain; minus strand). Cytogenetic location: 2q37.3.
Variant type: single nucleotide variant.
Coding change: c.8384T>C on transcript NM_004369.4 (MANE Select); coding-DNA position 8384, T replaced by C.
Protein change: p.Phe2795Ser; replaces phenylalanine 2795 with serine.
Molecular consequence: missense variant.
Genome position (GRCh38, 1-based): chr2:237,340,532, A>G on the plus strand (T>C on the coding strand, the complement: COL6A3 is on the minus strand). VCF-style: chr2-237340532-A-G. GRCh37 (hg19) VCF-style: chr2-238249175-A-G.
Other names: c.6563T>C, p.Phe2188Ser (NM_057166.5); c.7766T>C, p.Phe2589Ser (NM_057167.4); short protein forms F2188S, F2589S, F2795S.
Identifiers: ClinVar variation 2268682 (VCV002268682.3), dbSNP rs2469804131, ClinGen allele CA351194863.

ClinVar aggregate classification (germline): Uncertain significance. Review status: criteria provided, multiple submitters, no conflicts (2 of 4 stars). 2 submissions from 2 submitters: Uncertain significance (2). Last evaluated 2025-09-10.

Conditions:
Bethlem myopathy 1A. Also called: Bethlem Muscular Dystrophy; MYOPATHY, BENIGN CONGENITAL, WITH CONTRACTURES; Bethlem myopathy 1. Identifiers: Orphanet 610, MedGen CN029274, MONDO:0024530, OMIM 158810.
Inborn genetic diseases. Identifiers: MedGen C0950123, MeSH D030342.

Submissions (2):

Labcorp Genetics (formerly Invitae), Labcorp
Classification: Uncertain significance for Bethlem myopathy 1A. Last evaluated: 2025-09-10. Review status: criteria provided, single submitter. Criteria: Invitae Variant Classification Sherloc (09022015). Collection method: clinical testing. Allele origin: germline.
Comment: This sequence change replaces phenylalanine, which is neutral and non-polar, with serine, which is neutral and polar, at codon 2795 of the COL6A3 protein (p.Phe2795Ser). This variant is not present in population databases (gnomAD no frequency). This variant has not been reported in the literature in individuals affected with COL6A3-related conditions. ClinVar contains an entry for this variant (Variation ID: 2268682). Invitae Evidence Modeling of protein sequence and biophysical properties (such as structural, functional, and spatial information, amino acid conservation, physicochemical variation, residue mobility, and thermodynamic stability) indicates that this missense variant is not expected to disrupt COL6A3 protein function with a negative predictive value of 80%. In summary, the available evidence is currently insufficient to determine the role of this variant in disease. Therefore, it has been classified as a Variant of Uncertain Significance.

Ambry Genetics
Classification: Uncertain significance for Inborn genetic diseases. Last evaluated: 2022-01-03. Review status: criteria provided, single submitter. Criteria: Ambry Variant Classification Scheme 2023. Collection method: clinical testing. Allele origin: germline.